The following is an entry in ClinVar:

ClinVar aggregate classification (germline): Uncertain significance (1 of 4 stars; one submission).

Conditions:
Cardiovascular phenotype. Identifiers: MedGen CN230736.

Submission:

Ambry Genetics
Classification: Uncertain significance for Cardiovascular phenotype. Last evaluated: 2025-05-26. Review status: criteria provided, single submitter. Criteria: Ambry Variant Classification Scheme 2023. Collection method: clinical testing. Allele origin: germline.
Comment: The p.Y26F variant (also known as c.77A>T), located in coding exon 1 of the FKTN gene, results from an A to T substitution at nucleotide position 77. The tyrosine at codon 26 is replaced by phenylalanine, an amino acid with highly similar properties. This amino acid position is conserved. In addition, the in silico prediction for this alteration is inconclusive. Based on the available evidence, the clinical significance of this variant remains unclear.

NM_001079802.2(FKTN):c.77A>T (p.Tyr26Phe)

Gene: FKTN (fukutin; plus strand). Cytogenetic location: 9q31.2.
Variant type: single nucleotide variant.
Coding change: c.77A>T on transcript NM_001079802.2 (MANE Select); coding-DNA position 77, A replaced by T.
Protein change: p.Tyr26Phe; replaces tyrosine 26 with phenylalanine.
Molecular consequence: missense variant. On other transcripts: 5 prime UTR variant (5), non-coding transcript variant (2).
Genome position (GRCh38, 1-based): chr9:105,575,109, A>T. VCF-style: chr9-105575109-A-T. GRCh37 (hg19) VCF-style: chr9-108337390-A-T.
Other names: c.77A>T, p.Tyr26Phe (NM_001198963.2, NM_001351496.2, NM_001351498.2 and 1 more transcripts); c.-91A>T (NM_001351497.2); c.-438A>T (NM_001351499.2, NM_001351500.2, NM_001351501.2 and 1 more transcripts); short protein forms Y26F.
Identifiers: ClinVar variation 4025267 (VCV004025267.1).